The following is an entry in ClinVar:

NM_001201543.2(FAM161A):c.493C>T (p.Gln165Ter)

Gene: FAM161A (FAM161 centrosomal protein A; minus strand). Cytogenetic location: 2p15.
Variant type: single nucleotide variant.
Coding change: c.493C>T on transcript NM_001201543.2 (MANE Select); coding-DNA position 493, C replaced by T.
Protein change: p.Gln165Ter; replaces glutamine 165 with a stop codon.
Molecular consequence: nonsense. On other transcripts: non-coding transcript variant (1).
Genome position (GRCh38, 1-based): chr2:61,840,511, G>A on the plus strand (C>T on the coding strand, the complement: FAM161A is on the minus strand). VCF-style: chr2-61840511-G-A. GRCh37 (hg19) VCF-style: chr2-62067646-G-A.
Other names: c.493C>T, p.Gln165Ter (NM_032180.3); short protein forms Q165*.
Identifiers: ClinVar variation 2182957 (VCV002182957.9), dbSNP rs758751113, ClinGen allele CA1679344.

ClinVar aggregate classification (germline): Pathogenic/Likely pathogenic. Review status: criteria provided, multiple submitters, no conflicts (2 of 4 stars). 4 submissions from 4 submitters: Pathogenic (2); Likely pathogenic (1). 1 of the submissions does not count toward it. Last evaluated 2026-02-24.

Conditions:
Retinal dystrophy. Also called: Inherited retinal dystrophy. Identifiers: Orphanet 71862, MedGen C0854723, MeSH D058499, MONDO:0019118, HP:0000556.
Retinitis pigmentosa 28 (RP28). Identifiers: Orphanet 791, MedGen C1419614, MONDO:0011630, OMIM 606068.

Allele frequency attached by ClinVar (database versions not stated): ExAC 0.00001; gnomAD 0.00001; gnomAD exomes 0.00001; TOPMed 0.00002.
gnomAD v4.1: 12 of 1,613,736 alleles (0.00074%); highest among the groups gnomAD compares: Non-Finnish European, 0.001%; no homozygotes.

Submissions (4):

Myriad Genetics, Inc.
Classification: Pathogenic for Retinitis pigmentosa 28. Last evaluated: 2026-02-24. Review status: criteria provided, single submitter. Criteria: Myriad Autosomal Dominant, Autosomal Recessive and X-Linked Classification Criteria (2023). Collection method: clinical testing. Allele origin: unknown.
Comment: NM_001201543.1(FAM161A):c.493C>T(Q165*) is a nonsense variant classified as pathogenic in the context of retinitis pigmentosa, FAM161A-related. Q165* has not been observed in cases with relevant disease. Relevant functional assessments of this variant are not available in the literature. Q165* has been observed in referenced population frequency databases. In summary, NM_001201543.1(FAM161A):c.493C>T(Q165*) is a nonsense variant in a gene where loss of function is a known mechanism of disease and is predicted to disrupt protein function. Please note: this variant was assessed in the context of healthy population screening.

Natera, Inc.
Classification: Likely pathogenic for Retinitis pigmentosa type 28. Last evaluated: 2024-04-26. Review status: criteria provided, single submitter. Criteria: Natera Variant Classification Schema (03/2026). Collection method: clinical testing. Allele origin: germline.
Comment: The c.493C>T variant in FAM161A is a nonsense variant predicted to introduce a stop codon at amino acid 165. This variant is expected to result in nonsense mediated decay, truncation, or a dysfunctional protein product. This variant is rare in the general population with a frequency below the threshold expected for the associated phenotype(s). Given the available evidence, this variant is classified as Likely Pathogenic.

Labcorp Genetics (formerly Invitae), Labcorp
Classification: Pathogenic. Last evaluated: 2023-07-12. Review status: criteria provided, single submitter. Criteria: Invitae Variant Classification Sherloc (09022015). Collection method: clinical testing. Allele origin: germline.
Comment: This sequence change creates a premature translational stop signal (p.Gln165*) in the FAM161A gene. It is expected to result in an absent or disrupted protein product. Loss-of-function variants in FAM161A are known to be pathogenic (PMID: 20705278, 20705279, 24651477). This variant is present in population databases (rs758751113, gnomAD no frequency). This variant has not been reported in the literature in individuals affected with FAM161A-related conditions. ClinVar contains an entry for this variant (Variation ID: 2182957). For these reasons, this variant has been classified as Pathogenic.

Institute of Human Genetics, Univ. Regensburg, Univ. Regensburg
Classification: Pathogenic for Retinal dystrophy. Last evaluated: 2017-01-01. Review status: no assertion criteria provided. Criteria: ACMG Guidelines, 2015. Collection method: clinical testing. Allele origin: germline. Affected: yes. Not counted in ClinVar's aggregate classification.

Literature cited by the submitters: PubMed 20705278 (cited by Labcorp Genetics (formerly Invitae), Labcorp); PubMed 20705279 (cited by Labcorp Genetics (formerly Invitae), Labcorp); PubMed 24651477 (cited by Labcorp Genetics (formerly Invitae), Labcorp).